The following is an entry in ClinVar:

ClinVar aggregate classification (germline): Pathogenic (1 of 4 stars; one submission).

Conditions:
Autosomal recessive nonsyndromic hearing loss 77. Identifiers: Orphanet 90636, MedGen C2746083, MONDO:0013119, OMIM 613079.

Submission:

Myriad Genetics, Inc.
Classification: Pathogenic for Autosomal recessive nonsyndromic hearing loss 77. Last evaluated: 2026-06-27. Review status: criteria provided, single submitter. Criteria: Myriad Autosomal Dominant, Autosomal Recessive and X-Linked Classification Criteria (2023). Collection method: clinical testing. Allele origin: unknown.
Comment: NM_144612.6(LOXHD1):c.5773dupT(C1925Lfs*7) is expected to be pathogenic in the context of nonsyndromic hearing loss, LOXHD1-related. This variant is predicted to lead to an abnormal or absent protein product due to the creation of a premature termination codon in LOXHD1, a gene where loss-of-function variants are known to be pathogenic. Please note: this variant was assessed in the context of healthy population screening.

NM_001384474.1(LOXHD1):c.5959dup (p.Cys1987fs)

Gene: LOXHD1 (lipoxygenase homology PLAT domains 1; minus strand). Cytogenetic location: 18q21.1.
Variant type: Duplication.
Coding change: c.5959dup on transcript NM_001384474.1 (MANE Select); coding-DNA position 5959, one base duplicated (T; older notation c.5959dupT).
Protein change: p.Cys1987fs; shifts the reading frame from cysteine 1987.
Molecular consequence: frameshift variant.
Genome position (GRCh38, 1-based): chr18:46,489,062, A duplicated on the plus strand (T on the coding strand, the reverse complement: LOXHD1 is on the minus strand). VCF-style (leftmost placement, unchanged base first): chr18-46489061-C-CA. GRCh37 (hg19) VCF-style: chr18-44069024-C-CA.
Other names: c.2626dup, p.Cys876fs (NM_001145472.3); c.676dup, p.Cys226fs (NM_001145473.3, NM_001173129.2); c.2338dup, p.Cys780fs (NM_001308013.2); c.5773dup, p.Cys1925fs (NM_144612.7); short protein forms C1925fs, C1987fs, C226fs, C780fs, C876fs.
Identifiers: ClinVar variation 5016079 (VCV005016079.1).